The following is an entry in ClinVar:

NM_001277115.2(DNAH11):c.13300G>T (p.Glu4434Ter)

Gene: DNAH11 (dynein axonemal heavy chain 11; plus strand). Cytogenetic location: 7p15.3.
Variant type: single nucleotide variant.
Coding change: c.13300G>T on transcript NM_001277115.2 (MANE Select); coding-DNA position 13300, G replaced by T.
Protein change: p.Glu4434Ter; replaces glutamic acid 4434 with a stop codon.
Molecular consequence: nonsense.
Genome position (GRCh38, 1-based): chr7:21,900,117, G>T. VCF-style: chr7-21900117-G-T. GRCh37 (hg19) VCF-style: chr7-21939735-G-T.
Other names: short protein forms E4434*.
Identifiers: ClinVar variation 4603098 (VCV004603098.1).

ClinVar aggregate classification (germline): Likely pathogenic (1 of 4 stars; one submission).

Conditions:
Primary ciliary dyskinesia. Also called: Ciliary dyskinesia. Identifiers: Orphanet 244, MedGen C0008780, MONDO:0016575, HP:0012265.

gnomAD v4.1: 2 of 1,612,614 alleles (0.00012%); highest among the groups gnomAD compares: Non-Finnish European, 0.00017%; no homozygotes.

Submission:

Ambry Genetics
Classification: Likely pathogenic for Primary ciliary dyskinesia. Last evaluated: 2025-12-05. Review status: criteria provided, single submitter. Criteria: Ambry Variant Classification Scheme 2023. Collection method: clinical testing. Allele origin: germline.
Comment: The p.E4434* variant (also known as c.13300G>T), located in coding exon 81 of the DNAH11 gene, results from a G to T substitution at nucleotide position 13300. This changes the amino acid from a glutamic acid to a stop codon within coding exon 81. This alteration occurs at the 3' terminus of the gene, is not expected to trigger nonsense-mediated mRNA decay, and impacts the last 1.8% of the protein. However, premature stop codons are typically deleterious in nature and the impacted region is critical for protein function (Ambry internal data). This variant is considered to be rare based on population cohorts in the Genome Aggregation Database (gnomAD). Based on the majority of available evidence to date, this variant is likely to be pathogenic.